The following is an entry in ClinVar:

ClinVar aggregate classification (germline): Likely pathogenic. Review status: criteria provided, multiple submitters, no conflicts (2 of 4 stars). 5 submissions from 5 submitters: Likely pathogenic (4). 1 of the submissions does not count toward it. Last evaluated 2024-04-10.

Conditions:
Aplastic anemia. Identifiers: Orphanet 182040, Orphanet 88, MedGen C0002874, MONDO:0015909, OMIM 609135, HP:0001915.
Microcephaly, normal intelligence and immunodeficiency (NBS). Also called: BERLIN BREAKAGE SYNDROME; SEEMANOVA SYNDROME II; Ataxia telangiectasia variant V1; IMMUNODEFICIENCY, MICROCEPHALY, AND CHROMOSOMAL INSTABILITY; Immunodeficiency, microcephaly with normal intelligence; Nijmegen breakage syndrome. Identifiers: Orphanet 647, MedGen C0398791, MONDO:0009623, OMIM 251260.
Hereditary cancer-predisposing syndrome. Also called: Hereditary neoplastic syndrome; Tumor predisposition; Hereditary Cancer Syndrome; Neoplastic Syndromes, Hereditary. Identifiers: Orphanet 140162, MedGen C0027672, MeSH D009386, MONDO:0015356.

Allele frequency attached by ClinVar (database versions not stated): gnomAD exomes below 0.00001; ExAC 0.00001.
gnomAD v4.1: 1 of 1,608,910 alleles (0.000062%); highest among the groups gnomAD compares: Non-Finnish European, 0.000085%; no homozygotes.

Submissions (5):

Labcorp Genetics (formerly Invitae), Labcorp
Classification: Likely pathogenic for Microcephaly, normal intelligence and immunodeficiency. Last evaluated: 2024-04-10. Review status: criteria provided, single submitter. Criteria: Invitae Variant Classification Sherloc (09022015). Collection method: clinical testing. Allele origin: germline.
Comment: This sequence change affects an acceptor splice site in intron 5 of the NBN gene. It is expected to disrupt RNA splicing. Variants that disrupt the donor or acceptor splice site typically lead to a loss of protein function (PMID: 16199547), and loss-of-function variants in NBN are known to be pathogenic (PMID: 9590180, 16415040). The frequency data for this variant in the population databases is considered unreliable, as metrics indicate poor data quality at this position in the gnomAD database. This variant has not been reported in the literature in individuals affected with NBN-related conditions. ClinVar contains an entry for this variant (Variation ID: 577667). Algorithms developed to predict the effect of sequence changes on RNA splicing suggest that this variant may disrupt the consensus splice site. In summary, the currently available evidence indicates that the variant is pathogenic, but additional data are needed to prove that conclusively. Therefore, this variant has been classified as Likely Pathogenic.

Ambry Genetics
Classification: Likely pathogenic for Hereditary cancer-predisposing syndrome. Last evaluated: 2024-02-29. Review status: criteria provided, single submitter. Criteria: Ambry Variant Classification Scheme 2023. Collection method: clinical testing. Allele origin: germline.
Comment: The c.585-2A>G intronic variant results from an A to G substitution two nucleotides upstream from coding exon 6 in the NBN gene. This variant is considered to be rare based on population cohorts in the Genome Aggregation Database (gnomAD). This nucleotide position is highly conserved in available vertebrate species. In silico splice site analysis predicts that this alteration will weaken the native splice acceptor site. Alterations that disrupt the canonical splice site are expected to cause aberrant splicing, resulting in an abnormal protein or a transcript that is subject to nonsense-mediated mRNA decay. As such, this alteration is classified as likely pathogenic.

GeneDx
Classification: Likely pathogenic. Last evaluated: 2023-10-04. Review status: criteria provided, single submitter. Criteria: GeneDx Variant Classification Process June 2021. Collection method: clinical testing. Allele origin: germline. Affected: yes.
Comment: Canonical splice site variant predicted to result in a null allele in a gene for which loss of function is a known mechanism of disease; Not observed at significant frequency in large population cohorts (gnomAD); Observed in an individual with lung cancer in published literature (Wang et al., 2022); This variant is associated with the following publications: (PMID: 36113475)

Baylor Genetics
Classification: Likely pathogenic for Aplastic anemia. Last evaluated: 2022-03-15. Review status: criteria provided, single submitter. Criteria: ACMG Guidelines, 2015. Collection method: clinical testing. Allele origin: unknown.

Natera, Inc.
Classification: Likely pathogenic for Nijmegen breakage syndrome. Last evaluated: 2021-02-01. Review status: no assertion criteria provided. Collection method: clinical testing. Allele origin: germline. Not counted in ClinVar's aggregate classification.

Literature cited by the submitters: PubMed 16199547 (cited by Labcorp Genetics (formerly Invitae), Labcorp); PubMed 9590180 (cited by Labcorp Genetics (formerly Invitae), Labcorp); PubMed 16415040 (cited by Labcorp Genetics (formerly Invitae), Labcorp).

NM_002485.5(NBN):c.585-2A>G

Gene: NBN (nibrin; minus strand). Cytogenetic location: 8q21.3.
Variant type: single nucleotide variant.
Coding change: c.585-2A>G on transcript NM_002485.5 (MANE Select); the canonical splice acceptor site of the intron before coding-DNA position 585, A replaced by G.
Molecular consequence: splice acceptor variant.
Genome position (GRCh38, 1-based): chr8:89,971,292, T>C on the plus strand (A>G on the coding strand, the complement: NBN is on the minus strand). VCF-style: chr8-89971292-T-C. GRCh37 (hg19) VCF-style: chr8-90983520-T-C.
Other names: c.339-2A>G (NM_001024688.3).
Identifiers: ClinVar variation 577667 (VCV000577667.15), dbSNP rs772005832, ClinGen allele CA4802924.